The following is an entry in ClinVar:

NM_198173.3(GRHL3):c.572G>A (p.Arg191His)

Gene: GRHL3 (grainyhead like transcription factor 3; plus strand). Cytogenetic location: 1p36.11.
Variant type: single nucleotide variant.
Coding change: c.572G>A on transcript NM_198173.3 (MANE Select); coding-DNA position 572, G replaced by A.
Protein change: p.Arg191His; replaces arginine 191 with histidine.
Molecular consequence: missense variant.
Genome position (GRCh38, 1-based): chr1:24,336,787, G>A. VCF-style: chr1-24336787-G-A. GRCh37 (hg19) VCF-style: chr1-24663277-G-A.
Other names: c.434G>A, p.Arg145His (NM_001195010.2); c.587G>A, p.Arg196His (NM_021180.4); c.572G>A, p.Arg191His (NM_198174.3); c.572G>A (NM_198173.2); short protein forms R191H, R196H, R145H.
Identifiers: ClinVar variation 2241228 (VCV002241228.4), dbSNP rs150060454, ClinGen allele CA689923.

ClinVar aggregate classification (germline): Conflicting classifications of pathogenicity. Review status: criteria provided, conflicting classifications (1 of 4 stars). 3 submissions from 3 submitters: Uncertain significance (2); Likely benign (1). Last evaluated 2025-02-04.

Conditions:
GRHL3-related disorder. Also called: GRHL3-related condition.
Inborn genetic diseases. Identifiers: MedGen C0950123, MeSH D030342.

Allele frequency attached by ClinVar (database versions not stated): gnomAD exomes 0.00009; 1000 Genomes Project 30x 0.00016; 1000 Genomes Project 0.00020; ExAC 0.00020; gnomAD 0.00051; TOPMed 0.00057; ESP Exome Variant Server 0.00062.
gnomAD v4.1: 209 of 1,611,644 alleles (0.013%); highest among the groups gnomAD compares: African/African-American, 0.19%; no homozygotes.

Submissions (3):

PreventionGenetics, part of Exact Sciences
Classification: Likely benign for GRHL3-related condition. Last evaluated: 2025-02-04. Review status: criteria provided, single submitter. Criteria: ACMG Guidelines, 2015. Collection method: clinical testing. Allele origin: germline.
Comment: This variant is classified as likely benign based on ACMG/AMP sequence variant interpretation guidelines (Richards et al. 2015 PMID: 25741868, with internal and published modifications).

GeneDx
Classification: Uncertain significance. Last evaluated: 2023-10-06. Review status: criteria provided, single submitter. Criteria: GeneDx Variant Classification Process June 2021. Collection method: clinical testing. Allele origin: germline. Affected: yes.
Comment: Has not been previously published as pathogenic or benign to our knowledge; In silico analysis supports that this missense variant has a deleterious effect on protein structure/function

Ambry Genetics
Classification: Uncertain significance for Inborn genetic diseases. Last evaluated: 2021-06-11. Review status: criteria provided, single submitter. Criteria: Ambry Variant Classification Scheme 2023. Collection method: clinical testing. Allele origin: germline.